The following is an entry in ClinVar:

NM_002691.4(POLD1):c.1363G>T (p.Val455Leu)

Gene: POLD1 (DNA polymerase delta 1, catalytic subunit; plus strand). Cytogenetic location: 19q13.33.
Variant type: single nucleotide variant.
Coding change: c.1363G>T on transcript NM_002691.4 (MANE Select); coding-DNA position 1363, G replaced by T.
Protein change: p.Val455Leu; replaces valine 455 with leucine.
Molecular consequence: missense variant. On other transcripts: non-coding transcript variant (1).
Genome position (GRCh38, 1-based): chr19:50,406,302, G>T. VCF-style: chr19-50406302-G-T. GRCh37 (hg19) VCF-style: chr19-50909559-G-T.
Other names: c.1363G>T, p.Val455Leu (NM_001256849.1, NM_001308632.1); short protein forms V455L.
Identifiers: ClinVar variation 1770893 (VCV001770893.3), dbSNP rs762670703, ClinGen allele CA406979951.
Genomic context (GRCh38, chr19:50,406,302, plus strand): 5'-TCATTCCAGTCCAAGCAGACGGGCCGGCGGGACACCAAGGTTGTCAGCATGGTGGGCCGC[G>T]TGCAGATGGACATGCTGCAGGTATGGGCGGGAGGTGGGGTGTGTCCCTGTCCTTGGAAGG-3'
Protein context (NP_002682.2, residues 445-465): DTKVVSMVGR[Val455Leu]QMDMLQVLLR

ClinVar aggregate classification (germline): Uncertain significance. Review status: criteria provided, multiple submitters, no conflicts (2 of 4 stars). 2 submissions from 2 submitters: Uncertain significance (2). Last evaluated 2022-07-06.

Conditions:
Hereditary cancer-predisposing syndrome. Also called: Hereditary Cancer Syndrome; Hereditary neoplastic syndrome; Neoplastic Syndromes, Hereditary; Tumor predisposition. Identifiers: Orphanet 140162, MedGen C0027672, MeSH D009386, MONDO:0015356.

gnomAD v4.1: 1 of 1,613,970 alleles (0.000062%); no homozygotes.

Submissions (2):

GeneDx
Classification: Uncertain significance. Last evaluated: 2022-07-06. Review status: criteria provided, single submitter. Criteria: GeneDx Variant Classification Process June 2021. Collection method: clinical testing. Allele origin: germline. Affected: yes.
Comment: Not observed at significant frequency in large population cohorts (gnomAD); In silico analysis supports that this missense variant has a deleterious effect on protein structure/function; Has not been previously published as pathogenic or benign to our knowledge; This variant is associated with the following publications: (PMID: 20951805)

Ambry Genetics
Classification: Uncertain significance for Hereditary cancer-predisposing syndrome. Last evaluated: 2015-12-13. Review status: criteria provided, single submitter. Criteria: Ambry Variant Classification Scheme 2023. Collection method: clinical testing. Allele origin: germline.
Comment: The p.V455L variant (also known as c.1363G>T), located in coding exon 10 of the POLD1 gene, results from a G to T substitution at nucleotide position 1363. The valine at codon 455 is replaced by leucine, an amino acid with highly similar properties. This variant was not reported in population based cohorts in the following databases: Database of Single Nucleotide Polymorphisms (dbSNP), NHLBI Exome Sequencing Project (ESP), and 1000 Genomes Project. In the ESP, this variant was not observed in 6503 samples (13006 alleles) with coverage at this position. To date, this alteration has been detected with an allele frequency of approximately 0.004% (greater than 25000 alleles tested) in our clinical cohort. This amino acid position is highly conserved in available vertebrate species. In addition, this alteration is predicted to be tolerated by in silico analysis. Since supporting evidence is limited at this time, the clinical significance of p.V455L remains unclear.